The following is an entry in ClinVar:

NM_000059.4(BRCA2):c.5114T>G (p.Ile1705Arg)

Gene: BRCA2 (BRCA2 DNA repair associated; plus strand). Cytogenetic location: 13q13.1.
Variant type: single nucleotide variant.
Coding change: c.5114T>G on transcript NM_000059.4 (MANE Select); coding-DNA position 5114, T replaced by G.
Protein change: p.Ile1705Arg; replaces isoleucine 1705 with arginine.
Molecular consequence: missense variant.
Genome position (GRCh38, 1-based): chr13:32,339,469, T>G. VCF-style: chr13-32339469-T-G. GRCh37 (hg19) VCF-style: chr13-32913606-T-G.
Other names: c.5114T>G, p.Ile1705Arg (NM_001406719.1, NM_001406720.1); short protein forms I1705R.
Identifiers: ClinVar variation 1745430 (VCV001745430.6), dbSNP rs2137514090, ClinGen allele CA387784146.

ClinVar aggregate classification (germline): Conflicting classifications of pathogenicity. Review status: criteria provided, conflicting classifications (1 of 4 stars). 3 submissions from 3 submitters: Uncertain significance (1); Likely benign (2). Last evaluated 2024-07-12.

Conditions:
BRCA2-related cancer predisposition. Identifiers: MedGen CN377758, MONDO:0700269.
Hereditary cancer-predisposing syndrome. Also called: Hereditary Cancer Syndrome; Neoplastic Syndromes, Hereditary; Tumor predisposition; Hereditary neoplastic syndrome. Identifiers: Orphanet 140162, MedGen C0027672, MeSH D009386, MONDO:0015356.

Allele frequency attached by ClinVar (database versions not stated): gnomAD exomes below 0.00001.
gnomAD v4.1: 4 of 1,587,184 alleles (0.00025%); highest among the groups gnomAD compares: South Asian, 0.0035%; no homozygotes.

Submissions (3):

Ambry Genetics
Classification: Likely benign for Hereditary cancer-predisposing syndrome. Last evaluated: 2024-07-12. Review status: criteria provided, single submitter. Criteria: Ambry Variant Classification Scheme 2023. Collection method: clinical testing. Allele origin: germline.

All of Us Research Program, National Institutes of Health
Classification: Uncertain significance for BRCA2-related cancer predisposition. Last evaluated: 2024-07-10. Review status: criteria provided, single submitter. Criteria: ACMG Guidelines, 2015. Collection method: clinical testing. Allele origin: germline. Inheritance: Autosomal dominant inheritance. Observed: 1 variant allele, 1 heterozygote.
Comment: This missense variant replaces isoleucine with arginine at codon 1705 of the BRCA2 protein. Computational prediction suggests that this variant may not impact protein structure and function (internally defined REVEL score threshold <= 0.5, PMID: 27666373). To our knowledge, functional studies have not been reported for this variant. This variant has not been reported in individuals affected with BRCA2-related disorders in the literature. This variant has not been identified in the general population by the Genome Aggregation Database (gnomAD). The available evidence is insufficient to determine the role of this variant in disease conclusively. Therefore, this variant is classified as a Variant of Uncertain Significance.

This study involves interpretation of variants in research participants for the purpose of population health screening. Participant phenotype was not available at the time of variant classification. Additional details can be found in publication PMID: 35346344, PMCID: PMC8962531

University of Washington Department of Laboratory Medicine, University of Washington
Classification: Likely benign for Hereditary cancer-predisposing syndrome. Last evaluated: 2023-03-23. Review status: criteria provided, single submitter. Criteria: Dines et al. (Genet Med. 2020). Collection method: curation. Allele origin: germline.
Comment: Missense variant in a coldspot region where missense variants are very unlikely to be pathogenic (PMID:31911673).

BRCA2 exon 11 coldspot. Reclassification based on statistical prior probability.